The following is an entry in ClinVar:

ClinVar aggregate classification (germline): Uncertain significance (1 of 4 stars; one submission).

Conditions:
Charcot-Marie-Tooth disease axonal type 2O. Also called: CHARCOT-MARIE-TOOTH DISEASE, AXONAL, AUTOSOMAL DOMINANT, TYPE 2O; CHARCOT-MARIE-TOOTH NEUROPATHY, AXONAL, TYPE 2O; Charcot-Marie-Tooth Neuropathy Type 2O; Charcot-Marie-Tooth disease, axonal, type 20. Identifiers: Orphanet 284232, MedGen C3280220, MONDO:0013644, OMIM 614228.

Submission:

Labcorp Genetics (formerly Invitae), Labcorp
Classification: Uncertain significance for Charcot-Marie-Tooth disease axonal type 2O. Last evaluated: 2019-01-01. Review status: criteria provided, single submitter. Criteria: Invitae Variant Classification Sherloc (09022015). Collection method: clinical testing. Allele origin: germline.
Comment: In summary, the available evidence is currently insufficient to determine the role of this variant in disease. Therefore, it has been classified as a Variant of Uncertain Significance. Nucleotide substitutions within the consensus splice site are a relatively common cause of aberrant splicing (PMID: 17576681, 9536098). Algorithms developed to predict the effect of sequence changes on RNA splicing suggest that this variant may disrupt the consensus splice site, but this prediction has not been confirmed by published transcriptional studies. This variant has not been reported in the literature in individuals with DYNC1H1-related conditions. This variant is not present in population databases (ExAC no frequency). This sequence change falls in intron 7 of the DYNC1H1 gene. It does not directly change the encoded amino acid sequence of the DYNC1H1 protein, but it affects a nucleotide within the consensus splice site of the intron.

Literature cited by the submitters: PubMed 17576681; PubMed 9536098.

NM_001376.5(DYNC1H1):c.1461+5G>T

Gene: DYNC1H1 (dynein cytoplasmic 1 heavy chain 1; plus strand). Cytogenetic location: 14q32.31.
Variant type: single nucleotide variant.
Coding change: c.1461+5G>T on transcript NM_001376.5 (MANE Select); 5 bases into the intron after coding-DNA position 1461, G replaced by T.
Molecular consequence: intron variant.
Genome position (GRCh38, 1-based): chr14:101,983,614, G>T. VCF-style: chr14-101983614-G-T. GRCh37 (hg19) VCF-style: chr14-102449951-G-T.
Identifiers: ClinVar variation 859545 (VCV000859545.7), dbSNP rs2047892846, ClinGen allele CA916083398.